The following is an entry in ClinVar:

NM_001374828.1(ARID1B):c.4639C>A (p.Pro1547Thr)

Gene: ARID1B (AT-rich interaction domain 1B; plus strand). Cytogenetic location: 6q25.3.
Variant type: single nucleotide variant.
Coding change: c.4639C>A on transcript NM_001374828.1 (MANE Select); coding-DNA position 4639, C replaced by A.
Protein change: p.Pro1547Thr; replaces proline 1547 with threonine.
Molecular consequence: missense variant.
Genome position (GRCh38, 1-based): chr6:157,200,864, C>A. VCF-style: chr6-157200864-C-A. GRCh37 (hg19) VCF-style: chr6-157521998-C-A.
Other names: c.4390C>A, p.Pro1464Thr (NM_001346813.1); c.2140C>A, p.Pro714Thr (NM_001363725.2); c.4519C>A, p.Pro1507Thr (NM_001371656.1, NM_001374820.1); c.4480C>A, p.Pro1494Thr (NM_017519.3); c.4270C>A, p.Pro1424Thr (NM_020732.3); c.4057C>A, p.Pro1353Thr (NM_175863.2); short protein forms P1424T, P1494T, P1353T, P1464T, P714T, P1547T, P1507T.
Identifiers: ClinVar variation 3021362 (VCV003021362.3), dbSNP rs775556116, ClinGen allele CA4067674.
Genomic context (GRCh38, chr6:157,200,864, plus strand): 5'-TACAACCAGTATGGAGGCTCCTACTCGGGCCCGGACCGCAGGCCCATCCAGGGCCAGTAC[C>A]CGTATCCCTACAGCAGGGAGAGGATGCAGGGCCCGGGGCAGATCCAGACACACGGAATCC-3'
Protein context (NP_001361757.1, residues 1537-1557): PDRRPIQGQY[Pro1547Thr]YPYSRERMQG

ClinVar aggregate classification (germline): Uncertain significance (1 of 4 stars; one submission).

Allele frequency attached by ClinVar (database versions not stated): gnomAD exomes below 0.00001; ExAC 0.00001; TOPMed 0.00001.
gnomAD v4.1: 1 of 1,614,034 alleles (0.000062%); highest among the groups gnomAD compares: Non-Finnish European, 0.000085%; no homozygotes.

Submission:

Labcorp Genetics (formerly Invitae), Labcorp
Classification: Uncertain significance. Last evaluated: 2024-03-04. Review status: criteria provided, single submitter. Criteria: Invitae Variant Classification Sherloc (09022015). Collection method: clinical testing. Allele origin: germline.
Comment: This sequence change replaces proline, which is neutral and non-polar, with threonine, which is neutral and polar, at codon 1424 of the ARID1B protein (p.Pro1424Thr). This variant is present in population databases (rs775556116, gnomAD 0.0009%). This variant has not been reported in the literature in individuals affected with ARID1B-related conditions. Advanced modeling of protein sequence and biophysical properties (such as structural, functional, and spatial information, amino acid conservation, physicochemical variation, residue mobility, and thermodynamic stability) has been performed at Invitae for this missense variant, however the output from this modeling did not meet the statistical confidence thresholds required to predict the impact of this variant on ARID1B protein function. In summary, the available evidence is currently insufficient to determine the role of this variant in disease. Therefore, it has been classified as a Variant of Uncertain Significance.